The following is an entry in ClinVar:

NM_007294.4(BRCA1):c.3792G>C (p.Lys1264Asn)

Genes: BRCA1 (BRCA1 DNA repair associated; minus strand), LOC126862571 (BRD4-independent group 4 enhancer GRCh37_chr17:41243136-41244335; plus strand). Cytogenetic location: 17q21.31.
Variant type: single nucleotide variant.
Coding change: c.3792G>C on transcript NM_007294.4 (MANE Select); coding-DNA position 3792, G replaced by C.
Protein change: p.Lys1264Asn; replaces lysine 1264 with asparagine.
Molecular consequence: missense variant. On other transcripts: intron variant (135).
Genome position (GRCh38, 1-based): chr17:43,091,739, C>G on the plus strand (G>C on the coding strand, the complement: BRCA1 is on the minus strand). VCF-style: chr17-43091739-C-G. GRCh37 (hg19) VCF-style: chr17-41243756-C-G.
Other names: c.3579G>C, p.Lys1193Asn (NM_001407571.1, NM_001407853.1, NM_001407894.1 and 9 more transcripts); c.3792G>C, p.Lys1264Asn (NM_001407581.1, NM_001407582.1, NM_001407583.1 and 30 more transcripts); c.3789G>C, p.Lys1263Asn (NM_001407587.1, NM_001407590.1, NM_001407591.1 and 22 more transcripts); c.3783G>C, p.Lys1261Asn (NM_001407646.1, NM_001407647.1); c.3669G>C, p.Lys1223Asn (NM_001407648.1, NM_001407664.1, NM_001407665.1 and 19 more transcripts); c.3666G>C, p.Lys1222Asn (NM_001407649.1, NM_001407670.1, NM_001407671.1 and 11 more transcripts); c.3714G>C, p.Lys1238Asn (NM_001407653.1, NM_001407654.1, NM_001407655.1 and 4 more transcripts); c.3711G>C, p.Lys1237Asn (NM_001407659.1, NM_001407660.1, NM_001407661.1 and 1 more transcripts); and 41 more; short protein forms K1217N, K1264N, K1137N, K1193N, K1196N, K1216N, K1176N, K1194N.
Identifiers: ClinVar variation 824216 (VCV000824216.11), dbSNP rs894781955, ClinGen allele CA10594387.

ClinVar aggregate classification (germline): Conflicting classifications of pathogenicity. Review status: criteria provided, conflicting classifications (1 of 4 stars). 4 submissions from 4 submitters: Uncertain significance (3); Likely benign (1). Last evaluated 2025-05-07.

Conditions:
Hereditary cancer-predisposing syndrome. Also called: Neoplastic Syndromes, Hereditary; Tumor predisposition; Hereditary neoplastic syndrome; Hereditary Cancer Syndrome. Identifiers: Orphanet 140162, MedGen C0027672, MeSH D009386, MONDO:0015356.
Hereditary breast ovarian cancer syndrome. Also called: Hereditary breast and ovarian cancer syndrome; Hereditary breast and ovarian cancer; Hereditary breast and ovarian cancer syndrome (HBOC); Breast and ovarian cancer; Hereditary breast and/or ovarian cancer syndrome; BRCA1- and BRCA2-Associated Hereditary Breast and Ovarian Cancer. Identifiers: Orphanet 145, MedGen C0677776, MeSH D061325, MONDO:0003582. Disease mechanism: loss of function.

Allele frequency attached by ClinVar (database versions not stated): TOPMed below 0.00001.

Submissions (4):

Labcorp Genetics (formerly Invitae), Labcorp
Classification: Uncertain significance for Hereditary breast ovarian cancer syndrome. Last evaluated: 2025-05-07. Review status: criteria provided, single submitter. Criteria: Invitae Variant Classification Sherloc (09022015). Collection method: clinical testing. Allele origin: germline.
Comment: This sequence change replaces lysine, which is basic and polar, with asparagine, which is neutral and polar, at codon 1264 of the BRCA1 protein (p.Lys1264Asn). This variant is not present in population databases (gnomAD no frequency). This variant has not been reported in the literature in individuals affected with BRCA1-related conditions. ClinVar contains an entry for this variant (Variation ID: 824216). Invitae Evidence Modeling of protein sequence and biophysical properties (such as structural, functional, and spatial information, amino acid conservation, physicochemical variation, residue mobility, and thermodynamic stability) indicates that this missense variant is not expected to disrupt BRCA1 protein function with a negative predictive value of 80%. In summary, the available evidence is currently insufficient to determine the role of this variant in disease. Therefore, it has been classified as a Variant of Uncertain Significance.

Women's Health and Genetics/Laboratory Corporation of America, LabCorp
Classification: Uncertain significance. Last evaluated: 2024-01-15. Review status: criteria provided, single submitter. Criteria: LabCorp Variant Classification Summary - May 2015. Collection method: clinical testing. Allele origin: germline.

University of Washington Department of Laboratory Medicine, University of Washington
Classification: Likely benign for Hereditary cancer-predisposing syndrome. Last evaluated: 2023-03-23. Review status: criteria provided, single submitter. Criteria: Dines et al. (Genet Med. 2020). Collection method: curation. Allele origin: germline.
Comment: Missense variant in a coldspot region where missense variants are very unlikely to be pathogenic (PMID:31911673).

BRCA1 coldspot (exon 11 using historical exon numbering). Reclassification based on statistical prior probability

Ambry Genetics
Classification: Uncertain significance for Hereditary cancer-predisposing syndrome. Last evaluated: 2019-09-16. Review status: criteria provided, single submitter. Criteria: Ambry Variant Classification Scheme 2023. Collection method: clinical testing. Allele origin: germline.
Comment: The p.K1264N variant (also known as c.3792G>C), located in coding exon 9 of the BRCA1 gene, results from a G to C substitution at nucleotide position 3792. The lysine at codon 1264 is replaced by asparagine, an amino acid with similar properties. This amino acid position is poorly conserved in available vertebrate species. In addition, the in silico prediction for this alteration is inconclusive. Since supporting evidence is limited at this time, the clinical significance of this alteration remains unclear.